The following is an entry in ClinVar:

NM_020247.5(COQ8A):c.1232_1233del (p.Glu411fs)

Gene: COQ8A (coenzyme Q8A; plus strand). Cytogenetic location: 1q42.13.
Variant type: Microsatellite.
Coding change: c.1232_1233del on transcript NM_020247.5 (MANE Select); coding-DNA positions 1232 to 1233, 2 bases deleted (AG; older notation c.1232_1233delAG).
Protein change: p.Glu411fs; shifts the reading frame from glutamic acid 411.
Molecular consequence: frameshift variant.
Genome position (GRCh38, 1-based): chr1:226,983,830-226,983,831, AG deleted; deleting any 2 consecutive bases within chr1:226,983,827-226,983,831 gives the same sequence; the c. name uses the placement nearest the transcript's 3' end. VCF-style (leftmost placement, unchanged base first): chr1-226983826-CGA-C. GRCh37 (hg19) VCF-style: chr1-227171527-CGA-C.
Other names: short protein forms E411fs.
Identifiers: ClinVar variation 2697995 (VCV002697995.3), dbSNP rs2528380932, ClinGen allele CA2697554952.

ClinVar aggregate classification (germline): Pathogenic (1 of 4 stars; one submission).

Submission:

Labcorp Genetics (formerly Invitae), Labcorp
Classification: Pathogenic. Last evaluated: 2023-11-21. Review status: criteria provided, single submitter. Criteria: Invitae Variant Classification Sherloc (09022015). Collection method: clinical testing. Allele origin: germline.
Comment: This sequence change creates a premature translational stop signal (p.Glu411Glyfs*21) in the COQ8A gene. It is expected to result in an absent or disrupted protein product. Loss-of-function variants in COQ8A are known to be pathogenic (PMID: 18319074, 20580948). This variant is not present in population databases (gnomAD no frequency). This variant has not been reported in the literature in individuals affected with COQ8A-related conditions. For these reasons, this variant has been classified as Pathogenic.

Literature cited by the submitters: PubMed 18319074; PubMed 20580948.